The following is an entry in ClinVar:

NM_032447.5(FBN3):c.5789C>A (p.Thr1930Asn)

Gene: FBN3 (fibrillin 3; minus strand). Cytogenetic location: 19p13.2.
Variant type: single nucleotide variant.
Coding change: c.5789C>A on transcript NM_032447.5 (MANE Select); coding-DNA position 5789, C replaced by A.
Protein change: p.Thr1930Asn; replaces threonine 1930 with asparagine.
Molecular consequence: missense variant.
Genome position (GRCh38, 1-based): chr19:8,094,562, G>T on the plus strand (C>A on the coding strand, the complement: FBN3 is on the minus strand). VCF-style: chr19-8094562-G-T. GRCh37 (hg19) VCF-style: chr19-8159446-G-T.
Other names: c.5789C>A, p.Thr1930Asn (NM_001321431.2); short protein forms T1930N.
Identifiers: ClinVar variation 3003748 (VCV003003748.3), dbSNP rs148482018, ClinGen allele CA403725545.

ClinVar aggregate classification (germline): Uncertain significance (1 of 4 stars; one submission).

gnomAD v4.1: 1 of 1,613,112 alleles (0.000062%); highest among the groups gnomAD compares: Admixed American, 0.0017%; no homozygotes.

Submission:

Labcorp Genetics (formerly Invitae), Labcorp
Classification: Uncertain significance. Last evaluated: 2023-06-03. Review status: criteria provided, single submitter. Criteria: Invitae Variant Classification Sherloc (09022015). Collection method: clinical testing. Allele origin: germline.
Comment: In summary, the available evidence is currently insufficient to determine the role of this variant in disease. Therefore, it has been classified as a Variant of Uncertain Significance. Advanced modeling of protein sequence and biophysical properties (such as structural, functional, and spatial information, amino acid conservation, physicochemical variation, residue mobility, and thermodynamic stability) performed at Invitae indicates that this missense variant is not expected to disrupt FBN3 protein function. This variant has not been reported in the literature in individuals affected with FBN3-related conditions. This variant is not present in population databases (gnomAD no frequency). This sequence change replaces threonine, which is neutral and polar, with asparagine, which is neutral and polar, at codon 1930 of the FBN3 protein (p.Thr1930Asn).